The following is an entry in ClinVar:

NM_005591.4(MRE11):c.1114G>A (p.Gly372Ser)

Gene: MRE11 (MRE11 double strand break repair nuclease; minus strand). Cytogenetic location: 11q21.
Variant type: single nucleotide variant.
Coding change: c.1114G>A on transcript NM_005591.4 (MANE Select); coding-DNA position 1114, G replaced by A.
Protein change: p.Gly372Ser; replaces glycine 372 with serine.
Molecular consequence: missense variant.
Genome position (GRCh38, 1-based): chr11:94,464,224, C>T on the plus strand (G>A on the coding strand, the complement: MRE11 is on the minus strand). VCF-style: chr11-94464224-C-T. GRCh37 (hg19) VCF-style: chr11-94197390-C-T.
Other names: c.1114G>A, p.Gly372Ser (NM_001330347.2, NM_005590.4); short protein forms G372S.
Identifiers: ClinVar variation 3397868 (VCV003397868.1).
Genomic context (GRCh38, chr11:94,464,224, plus strand): 5'-GATTAGCTACCCGATCCACAAATTTCTGGCTAAAGCGAAGAACACTGAAAGGTTCAAAAC[C>T]TCCACTATAGTCCACCTGAAAACACAGAATAATCTATGAACGCTAGGAAACAACAATTTG-3'
Protein context (NP_005582.1, residues 362-382): LVRLRVDYSG[Gly372Ser]FEPFSVLRFS

ClinVar aggregate classification (germline): Uncertain significance (1 of 4 stars; one submission).

Conditions:
Hereditary cancer-predisposing syndrome. Also called: Hereditary Cancer Syndrome; Tumor predisposition; Hereditary neoplastic syndrome; Neoplastic Syndromes, Hereditary. Identifiers: Orphanet 140162, MedGen C0027672, MeSH D009386, MONDO:0015356.

Submission:

Ambry Genetics
Classification: Uncertain significance for Hereditary cancer-predisposing syndrome. Last evaluated: 2024-09-30. Review status: criteria provided, single submitter. Criteria: Ambry Variant Classification Scheme 2023. Collection method: clinical testing. Allele origin: germline.
Comment: The p.G372S variant (also known as c.1114G>A), located in coding exon 10 of the MRE11A gene, results from a G to A substitution at nucleotide position 1114. The glycine at codon 372 is replaced by serine, an amino acid with similar properties. This amino acid position is conserved. In addition, the in silico prediction for this alteration is inconclusive. Based on the available evidence, the clinical significance of this variant remains unclear.